The following is an entry in ClinVar:

ClinVar aggregate classification (germline): Pathogenic. Review status: criteria provided, multiple submitters, no conflicts (2 of 4 stars). 2 submissions from 2 submitters: Pathogenic (2). Last evaluated 2024-01-31.

Conditions:
Hereditary cancer-predisposing syndrome. Also called: Hereditary neoplastic syndrome; Tumor predisposition; Neoplastic Syndromes, Hereditary; Hereditary Cancer Syndrome. Identifiers: Orphanet 140162, MedGen C0027672, MeSH D009386, MONDO:0015356.
Familial cancer of breast. Also called: Hereditary breast cancer; hereditary breast carcinoma; BREAST CANCER, FAMILIAL. Identifiers: Orphanet 227535, MedGen C0346153, MONDO:0016419, OMIM 114480. Disease mechanism: loss of function.
Fanconi anemia complementation group J. Also called: BRIP1-Related Fanconi Anemia. Identifiers: Orphanet 84, MedGen C1836860, MONDO:0012187, OMIM 609054.

Submissions (2):

Labcorp Genetics (formerly Invitae), Labcorp
Classification: Pathogenic for Familial cancer of breast; Fanconi anemia complementation group J. Last evaluated: 2024-01-31. Review status: criteria provided, single submitter. Criteria: Invitae Variant Classification Sherloc (09022015). Collection method: clinical testing. Allele origin: germline.
Comment: This sequence change creates a premature translational stop signal (p.Arg416Serfs*9) in the BRIP1 gene. It is expected to result in an absent or disrupted protein product. Loss-of-function variants in BRIP1 are known to be pathogenic (PMID: 16116423, 17033622, 21964575). This variant is not present in population databases (gnomAD no frequency). This variant has not been reported in the literature in individuals affected with BRIP1-related conditions. ClinVar contains an entry for this variant (Variation ID: 951052). For these reasons, this variant has been classified as Pathogenic.

Ambry Genetics
Classification: Pathogenic for Hereditary cancer-predisposing syndrome. Last evaluated: 2020-12-11. Review status: criteria provided, single submitter. Criteria: Ambry Variant Classification Scheme 2023. Collection method: clinical testing. Allele origin: germline.
Comment: The c.1240_1244dupCAGCT pathogenic mutation, located in coding exon 8 of the BRIP1 gene, results from a duplication of CAGCT at nucleotide position 1240, causing a translational frameshift with a predicted alternate stop codon (p.R416Sfs*9). This alteration is expected to result in loss of function by premature protein truncation or nonsense-mediated mRNA decay. As such, this alteration is interpreted as a disease-causing mutation.

Literature cited by the submitters: PubMed 16116423 (cited by Labcorp Genetics (formerly Invitae), Labcorp); PubMed 17033622 (cited by Labcorp Genetics (formerly Invitae), Labcorp); PubMed 21964575 (cited by Labcorp Genetics (formerly Invitae), Labcorp).

NM_032043.3(BRIP1):c.1240_1244dup (p.Arg416fs)

Gene: BRIP1 (BRCA1 interacting DNA helicase 1; minus strand). Cytogenetic location: 17q23.2.
Variant type: Duplication.
Coding change: c.1240_1244dup on transcript NM_032043.3 (MANE Select); coding-DNA positions 1240 to 1244, 5 bases duplicated (CAGCT; older notation c.1240_1244dupCAGCT).
Protein change: p.Arg416fs; shifts the reading frame from arginine 416.
Molecular consequence: frameshift variant.
Genome position (GRCh38, 1-based): chr17:61,799,196-61,799,200, AGCTG duplicated on the plus strand (CAGCT on the coding strand, the reverse complement: BRIP1 is on the minus strand); duplicating any 5 consecutive bases within chr17:61,799,196-61,799,201 gives the same sequence; the c. name uses the placement nearest the transcript's 3' end. VCF-style (leftmost placement, unchanged base first): chr17-61799195-A-AAGCTG. GRCh37 (hg19) VCF-style: chr17-59876556-A-AAGCTG.
Other names: c.1240_1244dupCAGCT (NM_032043.2); short protein forms R416fs.
Identifiers: ClinVar variation 951052 (VCV000951052.11), dbSNP rs2077949826, ClinGen allele CA1139665790.
Genomic context (GRCh38, chr17:61,799,195, plus strand): 5'-ATGATCTTTCTTCCTTATATTATTGTTGACCATACTATCTAGTTCATCCCGAGCAAACCG[A>AAGCTG]AGCTGAACTTCTGTTACACTGTAACTTGCTGATTCCCGAGCACAGTCCTCGATGTTATGA-3'